The following is an entry in ClinVar:

NM_002074.5(GNB1):c.228T>A (p.Asp76Glu)

Gene: GNB1 (G protein subunit beta 1; minus strand). Cytogenetic location: 1p36.33.
Variant type: single nucleotide variant.
Coding change: c.228T>A on transcript NM_002074.5 (MANE Select); coding-DNA position 228, T replaced by A.
Protein change: p.Asp76Glu; replaces aspartic acid 76 with glutamic acid.
Molecular consequence: missense variant. On other transcripts: 5 prime UTR variant (1).
Genome position (GRCh38, 1-based): chr1:1,806,514, A>T on the plus strand (T>A on the coding strand, the complement: GNB1 is on the minus strand). VCF-style: chr1-1806514-A-T. GRCh37 (hg19) VCF-style: chr1-1737953-A-T.
Other names: c.-73T>A (NM_001282538.2); c.228T>A, p.Asp76Glu (NM_001282539.2); short protein forms D76E.
Identifiers: ClinVar variation 1699320 (VCV001699320.3), dbSNP rs869312822, ClinGen allele CA337916407.
Genomic context (GRCh38, chr1:1,806,514, plus strand): 5'-AGGGAATCCTCCAGTCCCTACCTTGTTGGTGGTGTAGCTGTCCCAGATGATAAGTTTACC[A>T]TCCTGCGAGGCACTGACGAGAAGCCTGGAGGGACAGACAAAAGCAAACCTATCAGTACCG-3'
Protein context (NP_002065.1, residues 66-86): DSRLLVSASQ[Asp76Glu]GKLIIWDSYT

ClinVar aggregate classification (germline): Pathogenic (1 of 4 stars; one submission).

Conditions:
Intellectual developmental disorder, autosomal dominant 42. Also called: Intellectual disability, autosomal dominant 42; Global developmental delay-neuro-ophthalmological abnormalities-seizures-intellectual disability syndrome; GNB1 Encephalopathy. Identifiers: Orphanet 488613, MedGen C4310774, MONDO:0014855, OMIM 616973.

Submission:

Victorian Clinical Genetics Services, Murdoch Childrens Research Institute
Classification: Pathogenic for Intellectual developmental disorder, autosomal dominant 42. Last evaluated: 2022-06-24. Review status: criteria provided, single submitter. Criteria: ACMG Guidelines, 2015. Collection method: clinical testing. Allele origin: germline. Inheritance: Autosomal dominant inheritance. Affected: yes.
Comment: Based on the classification scheme VCGS_Germline_v1.3.4, this variant is classified as Pathogenic. Following criteria are met: 0102 - Loss of function is a suggested mechanism of disease in this gene and is associated with intellectual disability 42 (MIM#616973). However, a dominant-negative disease mechanism has not been excluded (PMID: 28087732, 32918542). (I) 0107 - This gene is associated with autosomal dominant disease. (I) 0115 - Variants in this gene are known to have variable expressivity. Phenotypes reported to have variability include epilepsy/seizures and brain abnormalities (PMID: 32918542). (I) 0200 - Variant is predicted to result in a missense amino acid change from aspartic acid to glutamic acid. (I) 0251 - This variant is heterozygous. (I) 0301 - Variant is absent from gnomAD (both v2 and v3). (SP) 0501 - Missense variant consistently predicted to be damaging by multiple in silico tools or highly conserved with a major amino acid change. (SP) 0603 - Missense variant in a region that is highly intolerant to missense variation (high constraint region in DECIPHER). (SP) 0703 - Other missense variants comparable to the one identified in this case have moderate previous evidence for pathogenicity. The p.(Asp76Asn) and p.(Asp76Gly) variants were identified in unrelated patients with autosomal dominant intellectual disability 42 (MIM#616973). The p.(Asp76Gly) variant was shown to be due to a de novo event in one patient (ClinVar; PMID: 27108799). (SP) 0802 - This variant has moderate previous evidence of pathogenicity in an unrelated individual. It has been reported to be de novo in a patient with intellectual disability 42 (MIM#616973). (SP) 0905 - No published segregation evidence has been identified for this variant. (I) 1007 - No published functional evidence has been identified for this variant. (I) 1208 - Inheritance information for this variant is not currently available in this individual. (I) Legend: (SP) - Supporting pathogenic, (I) - Information, (SB) - Supporting benign

Literature cited by the submitters: PubMed 27108799; PubMed 28087732; PubMed 32918542.